The following is an entry in ClinVar:

NM_004168.4(SDHA):c.670C>T (p.Leu224Phe)

Gene: SDHA (succinate dehydrogenase complex flavoprotein subunit A; plus strand). Cytogenetic location: 5p15.33.
Variant type: single nucleotide variant.
Coding change: c.670C>T on transcript NM_004168.4 (MANE Select); coding-DNA position 670, C replaced by T.
Protein change: p.Leu224Phe; replaces leucine 224 with phenylalanine.
Molecular consequence: missense variant.
Genome position (GRCh38, 1-based): chr5:228,233, C>T. VCF-style: chr5-228233-C-T. GRCh37 (hg19) VCF-style: chr5-228348-C-T.
Other names: c.526C>T, p.Leu176Phe (NM_001294332.2); c.670C>T, p.Leu224Phe (NM_001330758.2); short protein forms L176F, L224F.
Identifiers: ClinVar variation 1755035 (VCV001755035.9), dbSNP rs2126558440, ClinGen allele CA359010901.
Genomic context (GRCh38, chr5:228,233, plus strand): 5'-CCTTTCTTTTAGTCTCTGCGATATGATACCAGCTATTTTGTGGAGTATTTTGCCTTGGAT[C>T]TCCTGATGGAGAATGGGGAGTGCCGTGGTGTCATCGCACTGTGCATAGAGGACGGGTCCA-3'
Protein context (NP_004159.2, residues 214-234): SYFVEYFALD[Leu224Phe]LMENGECRGV

ClinVar aggregate classification (germline): Uncertain significance. Review status: criteria provided, multiple submitters, no conflicts (2 of 4 stars). 3 submissions from 3 submitters: Uncertain significance (3). Last evaluated 2026-06-10.

Conditions:
Hereditary cancer-predisposing syndrome. Also called: Hereditary Cancer Syndrome; Hereditary neoplastic syndrome; Neoplastic Syndromes, Hereditary; Tumor predisposition. Identifiers: Orphanet 140162, MedGen C0027672, MeSH D009386, MONDO:0015356.
Mitochondrial complex II deficiency, nuclear type 1. Also called: SUCCINATE CoQ REDUCTASE DEFICIENCY. Identifiers: Orphanet 3208, MedGen C5700310, MONDO:0100294, OMIM 252011.
Pheochromocytoma/paraganglioma syndrome 5. Also called: Paragangliomas 5; SDHA-Related Hereditary Paraganglioma-Pheochromocytoma Syndrome. Identifiers: Orphanet 29072, MedGen C3279992, MONDO:0013602, OMIM 614165.
Dilated cardiomyopathy 1GG (CMD1GG). Identifiers: Orphanet 154, MedGen C3150898, MONDO:0013339, OMIM 613642.

Submissions (3):

Ambry Genetics
Classification: Uncertain significance for Hereditary cancer-predisposing syndrome. Last evaluated: 2026-06-10. Review status: criteria provided, single submitter. Criteria: Ambry Variant Classification Scheme 2023. Collection method: clinical testing. Allele origin: germline.
Comment: The p.L224F variant (also known as c.670C>T), located in coding exon 6 of the SDHA gene, results from a C to T substitution at nucleotide position 670. The leucine at codon 224 is replaced by phenylalanine, an amino acid with highly similar properties. This amino acid position is highly conserved in available vertebrate species. In addition, this alteration is predicted to be deleterious by in silico analysis. Based on the available evidence, the clinical significance of this variant remains unclear.

Baylor Genetics
Classification: Uncertain significance for Dilated cardiomyopathy 1GG. Last evaluated: 2023-09-11. Review status: criteria provided, single submitter. Criteria: ACMG Guidelines, 2015. Collection method: clinical testing. Allele origin: unknown.

Labcorp Genetics (formerly Invitae), Labcorp
Classification: Uncertain significance for Pheochromocytoma/paraganglioma syndrome 5; Mitochondrial complex II deficiency, nuclear type 1. Last evaluated: 2022-03-27. Review status: criteria provided, single submitter. Criteria: Invitae Variant Classification Sherloc (09022015). Collection method: clinical testing. Allele origin: germline.
Comment: In summary, the available evidence is currently insufficient to determine the role of this variant in disease. Therefore, it has been classified as a Variant of Uncertain Significance. Advanced modeling of protein sequence and biophysical properties (such as structural, functional, and spatial information, amino acid conservation, physicochemical variation, residue mobility, and thermodynamic stability) performed at Invitae indicates that this missense variant is expected to disrupt SDHA protein function. This variant has not been reported in the literature in individuals affected with SDHA-related conditions. This variant is not present in population databases (gnomAD no frequency). This sequence change replaces leucine, which is neutral and non-polar, with phenylalanine, which is neutral and non-polar, at codon 224 of the SDHA protein (p.Leu224Phe).